The following is an entry in ClinVar:

NM_001130987.2(DYSF):c.869dup (p.Asn290fs)

Gene: DYSF (dysferlin; plus strand). Cytogenetic location: 2p13.2.
Variant type: Duplication.
Coding change: c.869dup on transcript NM_001130987.2 (MANE Select); coding-DNA position 869, one base duplicated (A; older notation c.869dupA).
Protein change: p.Asn290fs; shifts the reading frame from asparagine 290.
Molecular consequence: frameshift variant.
Genome position (GRCh38, 1-based): chr2:71,515,732, A duplicated; the last of 3 consecutive A bases (chr2:71,515,730-71,515,732); duplicating any one gives the same sequence. VCF-style (leftmost placement, unchanged base first): chr2-71515729-G-GA. GRCh37 (hg19) VCF-style: chr2-71742859-G-GA.
Other names: c.866dup, p.Asn289fs (NM_001130980.2, NM_001130981.2, NM_001130979.2); c.869dup, p.Asn290fs (NM_001130982.2, NM_001130985.2); c.776dup, p.Asn259fs (NM_001130983.2, NM_001130984.2, NM_001130986.2 and 1 more transcripts); c.773dup, p.Asn258fs (NM_003494.4, NM_001130976.2, NM_001130977.2 and 1 more transcripts); short protein forms N258fs, N259fs, N289fs, N290fs.
Identifiers: ClinVar variation 1994240 (VCV001994240.4), dbSNP rs2545414060, ClinGen allele CA2580067821.

ClinVar aggregate classification (germline): Pathogenic (1 of 4 stars; one submission).

Conditions:
Neuromuscular disease caused by qualitative or quantitative defects of dysferlin. Also called: Qualitative or quantitative defects of dysferlin; Dysferlinopathy. Identifiers: Orphanet 207073, MedGen C2931687, MONDO:0016145.

Submission:

Labcorp Genetics (formerly Invitae), Labcorp
Classification: Pathogenic for Neuromuscular disease caused by qualitative or quantitative defects of dysferlin. Last evaluated: 2022-05-14. Review status: criteria provided, single submitter. Criteria: Invitae Variant Classification Sherloc (09022015). Collection method: clinical testing. Allele origin: germline.
Comment: For these reasons, this variant has been classified as Pathogenic. This variant has not been reported in the literature in individuals affected with DYSF-related conditions. This variant is not present in population databases (gnomAD no frequency). This sequence change creates a premature translational stop signal (p.Asn258Lysfs*7) in the DYSF gene. It is expected to result in an absent or disrupted protein product. Loss-of-function variants in DYSF are known to be pathogenic (PMID: 17698709, 20301480).

Literature cited by the submitters: PubMed 17698709; PubMed 20301480.